The following is an entry in ClinVar:

ClinVar aggregate classification (germline): Uncertain significance (1 of 4 stars; one submission).

Conditions:
Emery-Dreifuss muscular dystrophy 4, autosomal dominant (EDMD4). Also called: EMERY-DREIFUSS MUSCULAR DYSTROPHY 4 WITH VARIABLE FEATURES. Identifiers: Orphanet 261, MedGen C2751807, MONDO:0013071, OMIM 612998.
Autosomal recessive ataxia, Beauce type. Also called: Spinocerebellar ataxia, autosomal recessive 8; ATAXIA, RECESSIVE, OF BEAUCE; SYNE1-Related Autosomal Recessive Cerebellar Ataxia; SYNE1 Deficiency. Identifiers: Orphanet 88644, MedGen C1853116, MONDO:0012549, OMIM 610743.

Allele frequency attached by ClinVar (database versions not stated): TOPMed below 0.00001; gnomAD 0.00001; gnomAD exomes 0.00001 and 0.00004; ExAC 0.00004; 1000 Genomes Project 30x 0.00016; 1000 Genomes Project 0.00020.
gnomAD v4.1: 11 of 1,614,134 alleles (0.00068%); highest among the groups gnomAD compares: East Asian, 0.018%; no homozygotes.

Submission:

Labcorp Genetics (formerly Invitae), Labcorp
Classification: Uncertain significance for Emery-Dreifuss muscular dystrophy 4, autosomal dominant; Autosomal recessive ataxia, Beauce type. Last evaluated: 2025-11-17. Review status: criteria provided, single submitter. Criteria: Invitae Variant Classification Sherloc (09022015). Collection method: clinical testing. Allele origin: germline.
Comment: This sequence change replaces threonine, which is neutral and polar, with alanine, which is neutral and non-polar, at codon 4820 of the SYNE1 protein (p.Thr4820Ala). This variant is present in population databases (rs534678815, gnomAD 0.05%). This variant has not been reported in the literature in individuals affected with SYNE1-related conditions. ClinVar contains an entry for this variant (Variation ID: 650548). An algorithm developed to predict the effect of missense changes on protein structure and function (PolyPhen-2) suggests that this variant is likely to be tolerated. In summary, the available evidence is currently insufficient to determine the role of this variant in disease. Therefore, it has been classified as a Variant of Uncertain Significance.

NM_182961.4(SYNE1):c.14671A>G (p.Thr4891Ala)

Gene: SYNE1 (spectrin repeat containing nuclear envelope protein 1; minus strand). Cytogenetic location: 6q25.2.
Variant type: single nucleotide variant.
Coding change: c.14671A>G on transcript NM_182961.4 (MANE Select); coding-DNA position 14671, A replaced by G.
Protein change: p.Thr4891Ala; replaces threonine 4891 with alanine.
Molecular consequence: missense variant.
Genome position (GRCh38, 1-based): chr6:152,330,014, T>C on the plus strand (A>G on the coding strand, the complement: SYNE1 is on the minus strand). VCF-style: chr6-152330014-T-C. GRCh37 (hg19) VCF-style: chr6-152651149-T-C.
Other names: c.14458A>G, p.Thr4820Ala (NM_033071.5); short protein forms T4820A, T4891A.
Identifiers: ClinVar variation 650548 (VCV000650548.9), dbSNP rs534678815, ClinGen allele CA4055966.
Genomic context (GRCh38, chr6:152,330,014, plus strand): 5'-CCGGCCCACTGAGCTCTGCCTTCACTCTCCTCAGCCAGTCCAGGGAGCGACTCATCTCAG[T>C]CTGGAAGTCTATACTCTGCACCATTCGGCTCTCACATTCTGTCACCGTCTCACCAATGGC-3'
Protein context (NP_892006.3, residues 4881-4901): SRMVQSIDFQ[Thr4891Ala]EMSRSLDWLR